The following is an entry in ClinVar:

NM_001130144.3(LTBP3):c.3418_3419del (p.Ser1140fs)

Gene: LTBP3 (latent transforming growth factor beta binding protein 3; minus strand). Cytogenetic location: 11q13.1.
Variant type: Deletion.
Coding change: c.3418_3419del on transcript NM_001130144.3 (MANE Select); coding-DNA positions 3418 to 3419, 2 bases deleted (AG; older notation c.3418_3419delAG).
Protein change: p.Ser1140fs; shifts the reading frame from serine 1140.
Molecular consequence: frameshift variant.
Genome position (GRCh38, 1-based): chr11:65,539,848-65,539,849, CT deleted on the plus strand (AG on the coding strand, the reverse complement: LTBP3 is on the minus strand); deleting any 2 consecutive bases within chr11:65,539,848-65,539,850 gives the same sequence; the c. name uses the placement nearest the transcript's 3' end. VCF-style (leftmost placement, unchanged base first): chr11-65539847-GCT-G. GRCh37 (hg19) VCF-style: chr11-65307318-GCT-G.
Other names: c.2926_2927del, p.Ser976fs (NM_001164266.1); c.3277_3278del, p.Ser1093fs (NM_021070.4); short protein forms S976fs, S1093fs, S1140fs.
Identifiers: ClinVar variation 4718297 (VCV004718297.1).

ClinVar aggregate classification (germline): Pathogenic (1 of 4 stars; one submission).

Conditions:
Brachyolmia-amelogenesis imperfecta syndrome. Also called: PLATYSPONDYLY WITH AMELOGENESIS IMPERFECTA; Tooth agenesis, selective, 6; Dental anomalies and short stature. Identifiers: Orphanet 2899, MedGen C1832594, MONDO:0011018, OMIM 601216. Disease mechanism: loss of function.

Submission:

Labcorp Genetics (formerly Invitae), Labcorp
Classification: Pathogenic for Brachyolmia-amelogenesis imperfecta syndrome. Last evaluated: 2025-05-21. Review status: criteria provided, single submitter. Criteria: Invitae Variant Classification Sherloc (09022015). Collection method: clinical testing. Allele origin: germline.
Comment: This sequence change creates a premature translational stop signal (p.Ser1140Profs*71) in the LTBP3 gene. It is expected to result in an absent or disrupted protein product. Loss-of-function variants in LTBP3 are known to be pathogenic (PMID: 11790802, 19344874, 25669657). This variant is not present in population databases (gnomAD no frequency). This variant has not been reported in the literature in individuals affected with LTBP3-related conditions. For these reasons, this variant has been classified as Pathogenic.

Literature cited by the submitters: PubMed 11790802; PubMed 19344874; PubMed 25669657.